The following is an entry in ClinVar:

ClinVar aggregate classification (germline): Uncertain significance (1 of 4 stars; one submission).

Submission:

Labcorp Genetics (formerly Invitae), Labcorp
Classification: Uncertain significance. Last evaluated: 2024-07-29. Review status: criteria provided, single submitter. Criteria: Invitae Variant Classification Sherloc (09022015). Collection method: clinical testing. Allele origin: germline.
Comment: This sequence change replaces asparagine, which is neutral and polar, with lysine, which is basic and polar, at codon 313 of the CLCN6 protein (p.Asn313Lys). This variant is not present in population databases (gnomAD no frequency). This variant has not been reported in the literature in individuals affected with CLCN6-related conditions. ClinVar contains an entry for this variant (Variation ID: 1488043). An algorithm developed to predict the effect of missense changes on protein structure and function (PolyPhen-2) suggests that this variant is likely to be tolerated. In summary, the available evidence is currently insufficient to determine the role of this variant in disease. Therefore, it has been classified as a Variant of Uncertain Significance.

NM_001286.5(CLCN6):c.939C>G (p.Asn313Lys)

Gene: CLCN6 (chloride voltage-gated channel 6; plus strand). Cytogenetic location: 1p36.22.
Variant type: single nucleotide variant.
Coding change: c.939C>G on transcript NM_001286.5 (MANE Select); coding-DNA position 939, C replaced by G.
Protein change: p.Asn313Lys; replaces asparagine 313 with lysine.
Molecular consequence: missense variant. On other transcripts: non-coding transcript variant (1).
Genome position (GRCh38, 1-based): chr1:11,828,204, C>G. VCF-style: chr1-11828204-C-G. GRCh37 (hg19) VCF-style: chr1-11888261-C-G.
Other names: c.873C>G, p.Asn291Lys (NM_001256959.2); short protein forms N291K, N313K.
Identifiers: ClinVar variation 1488043 (VCV001488043.8), dbSNP rs2100641967, ClinGen allele CA338429900.